The following is an entry in ClinVar:

ClinVar aggregate classification (germline): Uncertain significance. Review status: criteria provided, multiple submitters, no conflicts (2 of 4 stars). 2 submissions from 2 submitters: Uncertain significance (2). Last evaluated 2024-10-05.

Conditions:
Familial hemolytic anemia. Also called: Congenital hemolytic anemia. Identifiers: MedGen C0002881, MONDO:0003689, HP:0004804.

Allele frequency attached by ClinVar (database versions not stated): gnomAD exomes below 0.00001; TOPMed 0.00001.
gnomAD v4.1: 18 of 1,614,000 alleles (0.0011%); highest among the groups gnomAD compares: Admixed American, 0.0017%; no homozygotes.

Submissions (2):

Labcorp Genetics (formerly Invitae), Labcorp
Classification: Uncertain significance. Last evaluated: 2024-10-05. Review status: criteria provided, single submitter. Criteria: Invitae Variant Classification Sherloc (09022015). Collection method: clinical testing. Allele origin: germline.
Comment: This sequence change replaces aspartic acid, which is acidic and polar, with asparagine, which is neutral and polar, at codon 641 of the C3 protein (p.Asp641Asn). The frequency data for this variant in the population databases is considered unreliable, as metrics indicate poor data quality at this position in the gnomAD database. This variant has not been reported in the literature in individuals affected with C3-related conditions. ClinVar contains an entry for this variant (Variation ID: 544828). Invitae Evidence Modeling of protein sequence and biophysical properties (such as structural, functional, and spatial information, amino acid conservation, physicochemical variation, residue mobility, and thermodynamic stability) has been performed for this missense variant. However, the output from this modeling did not meet the statistical confidence thresholds required to predict the impact of this variant on C3 protein function. In summary, the available evidence is currently insufficient to determine the role of this variant in disease. Therefore, it has been classified as a Variant of Uncertain Significance.

Department of Genetic, Henri Mondor Hospital, Assistance Publique des Hôpitaux de Paris
Classification: Uncertain significance for Familial hemolytic anemia. Last evaluated: 2018-02-27. Review status: criteria provided, single submitter. Criteria: ACMG Guidelines, 2015. Collection method: clinical testing. Allele origin: germline. Affected: yes.

NM_000064.4(C3):c.1921G>A (p.Asp641Asn)

Gene: C3 (complement C3; minus strand). Cytogenetic location: 19p13.3.
Variant type: single nucleotide variant.
Coding change: c.1921G>A on transcript NM_000064.4 (MANE Select); coding-DNA position 1921, G replaced by A.
Protein change: p.Asp641Asn; replaces aspartic acid 641 with asparagine.
Molecular consequence: missense variant.
Genome position (GRCh38, 1-based): chr19:6,707,854, C>T on the plus strand (G>A on the coding strand, the complement: C3 is on the minus strand). VCF-style: chr19-6707854-C-T. GRCh37 (hg19) VCF-style: chr19-6707865-C-T.
Other names: c.1921G>A (LRG_27t1); short protein forms D641N.
Identifiers: ClinVar variation 544828 (VCV000544828.3), dbSNP rs1348311492, ClinGen allele CA403638304.
Genomic context (GRCh38, chr19:6,707,854, plus strand): 5'-CCTCACCTGCCCTCTGGGCGGTCTGCTGGCCACTGCTGCTCGTGAAGGTCAGCCCTGCGT[C>T]GGAGAAGACACCGGCGTAATCCTTCCCACTGCCCGGGGTGCAGCCGATGTCTGCCTTCTC-3'
Protein context (NP_000055.2, residues 631-651): SGKDYAGVFS[Asp641Asn]AGLTFTSSSG